The following is an entry in ClinVar:

NC_000016.10:g.(?_89815867)_(89816625_?)del

Gene: FANCA (FA complementation group A; minus strand). Cytogenetic location: 16q24.3.
Variant type: Deletion.
Identifiers: ClinVar variation 832894 (VCV000832894.4).

ClinVar aggregate classification (germline): Pathogenic (1 of 4 stars; one submission).

Conditions:
Fanconi anemia (FA). Also called: Fanconi's anemia. Identifiers: Orphanet 84, MedGen C0015625, MeSH D005199, MONDO:0019391.

Submission:

Labcorp Genetics (formerly Invitae), Labcorp
Classification: Pathogenic for Fanconi anemia. Last evaluated: 2021-10-13. Review status: criteria provided, single submitter. Criteria: Invitae Variant Classification Sherloc (09022015). Collection method: clinical testing. Allele origin: germline.
Comment: This variant is a gross deletion of the genomic region encompassing exon(s) 1-2 of the FANCA gene, which includes the initiator codon. The 5' end of this event is unknown as it extends beyond the assayed region for this gene and therefore may encompass additional genes. The 3' boundary is likely confined to intron 2 of the FANCA gene. It is expected to result in an absent or disrupted protein product. Loss-of-function variants in FANCA are known to be pathogenic (PMID: 19367192). A similar copy number variant has been observed in individual(s) with Fanconi anemia (PMID: 29098742). For these reasons, this variant has been classified as Pathogenic.

Literature cited by the submitters: PubMed 19367192; PubMed 29098742.